The following is an entry in ClinVar:

NM_004380.3(CREBBP):c.4560+10G>A

Gene: CREBBP (CREB binding lysine acetyltransferase; minus strand). Cytogenetic location: 16p13.3.
Variant type: single nucleotide variant.
Coding change: c.4560+10G>A on transcript NM_004380.3 (MANE Select); 10 bases into the intron after coding-DNA position 4560, G replaced by A.
Molecular consequence: intron variant.
Genome position (GRCh38, 1-based): chr16:3,736,640, C>T on the plus strand (G>A on the coding strand, the complement: CREBBP is on the minus strand). VCF-style: chr16-3736640-C-T. GRCh37 (hg19) VCF-style: chr16-3786641-C-T.
Other names: c.4446+10G>A (NM_001079846.1); c.4560+10G>A (NM_004380.2).
Identifiers: ClinVar variation 2817415 (VCV002817415.4), dbSNP rs752976676, ClinGen allele CA7869506.
Genomic context (GRCh38, chr16:3,736,640, plus strand): 5'-AGAAAAAGGCACACAAATATCCTCCCCTCAGTTGTGACAAAAGCCACCACCTTCCTTCAG[C>T]GCCGGGTACCTTGTAGTCATGGATGATCCGCTCTGCAAACGCCTTGTCCAGCATCTTTTT-3'

ClinVar aggregate classification (germline): Likely benign. Review status: criteria provided, multiple submitters, no conflicts (2 of 4 stars). 2 submissions from 2 submitters: Likely benign (2). Last evaluated 2025-08-11.

Conditions:
CREBBP-related disorder. Also called: CREBBP-related condition; CREBBP-related disorders.
Rubinstein-Taybi syndrome (RSTS). Identifiers: Orphanet 783, MedGen C0035934, MONDO:0019188.

Allele frequency attached by ClinVar (database versions not stated): TOPMed below 0.00001; ExAC 0.00001; gnomAD 0.00001; gnomAD exomes 0.00001.
gnomAD v4.1: 13 of 1,614,240 alleles (0.00081%); highest among the groups gnomAD compares: East Asian, 0.0022%; no homozygotes.

Submissions (2):

Labcorp Genetics (formerly Invitae), Labcorp
Classification: Likely benign for Rubinstein-Taybi syndrome. Last evaluated: 2025-08-11. Review status: criteria provided, single submitter. Criteria: Invitae Variant Classification Sherloc (09022015). Collection method: clinical testing. Allele origin: germline.

PreventionGenetics, part of Exact Sciences
Classification: Likely benign for CREBBP-related condition. Last evaluated: 2025-03-24. Review status: criteria provided, single submitter. Criteria: ACMG Guidelines, 2015. Collection method: clinical testing. Allele origin: germline.
Comment: This variant is classified as likely benign based on ACMG/AMP sequence variant interpretation guidelines (Richards et al. 2015 PMID: 25741868, with internal and published modifications).